The following is an entry in ClinVar:

ClinVar aggregate classification (germline): Uncertain significance. Review status: criteria provided, multiple submitters, no conflicts (2 of 4 stars). 4 submissions from 4 submitters: Uncertain significance (3). 1 of the submissions does not count toward it. Last evaluated 2026-01-04.

Conditions:
Hereditary cancer-predisposing syndrome. Also called: Tumor predisposition; Neoplastic Syndromes, Hereditary; Hereditary neoplastic syndrome; Hereditary Cancer Syndrome. Identifiers: Orphanet 140162, MedGen C0027672, MeSH D009386, MONDO:0015356.
Fumarase deficiency (FMRD). Also called: Fumarate Hydratase Deficiency; Fumaric aciduria. Identifiers: Orphanet 24, MedGen C0342770, MONDO:0011730, OMIM 606812.
Hereditary leiomyomatosis and renal cell cancer. Also called: LEIOMYOMA, MULTIPLE CUTANEOUS; MULTIPLE CUTANEOUS AND UTERINE LEIOMYOMATA 1, WITH OR WITHOUT RENAL CELL CARCINOMA; Reed syndrome; Multiple cutaneous and uterine leiomyomatosis; Cutaneous leiomyomata with uterine leiomyomata; Leiomyoma, hereditary multiple, of skin. Identifiers: Orphanet 523, MedGen C1708350, MONDO:0007888, OMIM 150800, HP:0007437. Disease mechanism: loss of function.

Allele frequency attached by ClinVar (database versions not stated): gnomAD exomes below 0.00001 and 0.00001; TOPMed 0.00001.
gnomAD v4.1: 17 of 1,613,974 alleles (0.0011%); highest among the groups gnomAD compares: Non-Finnish European, 0.0014%; no homozygotes.

Submissions (4):

Labcorp Genetics (formerly Invitae), Labcorp
Classification: Uncertain significance. Last evaluated: 2026-01-04. Review status: criteria provided, single submitter. Criteria: Invitae Variant Classification Sherloc (09022015). Collection method: clinical testing. Allele origin: germline.
Comment: This sequence change replaces threonine, which is neutral and polar, with arginine, which is basic and polar, at codon 85 of the FH protein (p.Thr85Arg). This variant is present in population databases (no rsID available, gnomAD 0.002%). This variant has not been reported in the literature in individuals affected with FH-related conditions. ClinVar contains an entry for this variant (Variation ID: 1022416). Invitae Evidence Modeling of protein sequence and biophysical properties (such as structural, functional, and spatial information, amino acid conservation, physicochemical variation, residue mobility, and thermodynamic stability) indicates that this missense variant is not expected to disrupt FH protein function with a negative predictive value of 95%. In summary, the available evidence is currently insufficient to determine the role of this variant in disease. Therefore, it has been classified as a Variant of Uncertain Significance.

Fulgent Genetics
Classification: Uncertain significance for Hereditary leiomyomatosis and renal cell cancer; Fumarase deficiency. Last evaluated: 2024-05-07. Review status: criteria provided, single submitter. Criteria: ACMG Guidelines, 2015. Collection method: clinical testing. Allele origin: germline.

Ambry Genetics
Classification: Uncertain significance for Hereditary cancer-predisposing syndrome. Last evaluated: 2022-02-23. Review status: criteria provided, single submitter. Criteria: Ambry Variant Classification Scheme 2023. Collection method: clinical testing. Allele origin: germline.
Comment: The p.T85R variant (also known as c.254C>G), located in coding exon 2 of the FH gene, results from a C to G substitution at nucleotide position 254. The threonine at codon 85 is replaced by arginine, an amino acid with similar properties. This amino acid position is not well conserved in available vertebrate species. In addition, the in silico prediction for this alteration is inconclusive. Since supporting evidence is limited at this time, the clinical significance of this alteration remains unclear.

Natera, Inc.
Classification: Uncertain significance for Fumarase Deficiency. Last evaluated: 2021-03-28. Review status: no assertion criteria provided. Collection method: clinical testing. Allele origin: germline. Not counted in ClinVar's aggregate classification.

NM_000143.4(FH):c.254C>G (p.Thr85Arg)

Gene: FH (fumarate hydratase; minus strand). Cytogenetic location: 1q43.
Variant type: single nucleotide variant.
Coding change: c.254C>G on transcript NM_000143.4 (MANE Select); coding-DNA position 254, C replaced by G.
Protein change: p.Thr85Arg; replaces threonine 85 with arginine.
Molecular consequence: missense variant.
Genome position (GRCh38, 1-based): chr1:241,517,195, G>C on the plus strand (C>G on the coding strand, the complement: FH is on the minus strand). VCF-style: chr1-241517195-G-C. GRCh37 (hg19) VCF-style: chr1-241680495-G-C.
Other names: c.254C>G (NM_000143.3); short protein forms T85R.
Identifiers: ClinVar variation 1022416 (VCV001022416.13), dbSNP rs1324632356, ClinGen allele CA345441658.
Genomic context (GRCh38, chr1:241,517,195, plus strand): 5'-AGCCTACTTCATCCAAAATAGCCAACATTTCCACAAATGCCACTTACTGGCATGCGTTCT[G>C]TCACACCTCCAATCTTAAAGTTCATCGTAGATCTCACGGTCTGGGCGCCATAATACTTAT-3'
Protein context (NP_000134.2, residues 75-95): STMNFKIGGV[Thr85Arg]ERMPTPVIKA